The following is an entry in ClinVar:

NM_022098.4(XPNPEP3):c.*4561G>A

Gene: XPNPEP3 (X-prolyl aminopeptidase 3; plus strand). Cytogenetic location: 22q13.2.
Variant type: single nucleotide variant.
Coding change: c.*4561G>A on transcript NM_022098.4 (MANE Select); 4561 bases downstream of the stop codon, G replaced by A.
Molecular consequence: 3 prime UTR variant.
Genome position (GRCh38, 1-based): chr22:40,930,996, G>A. VCF-style: chr22-40930996-G-A. GRCh37 (hg19) VCF-style: chr22-41327000-G-A.
Identifiers: ClinVar variation 341745 (VCV000341745.6), dbSNP rs9611438, ClinGen allele CA10645569.
Genomic context (GRCh38, chr22:40,930,996, plus strand): 5'-ACTCCCTGGTTCAAGCAGTTCTCCTGCCTCAGCCTCCCAAGTAGCTGGGATTACAGGCAC[G>A]CACCACCATGCCCAGCTAATTTTTGTATTTTTAGTAGAGACAGGGTTTCACCATGTTGGC-3'

ClinVar aggregate classification (germline): Benign. Review status: criteria provided, multiple submitters, no conflicts (2 of 4 stars). 2 submissions from 2 submitters: Benign (2). Last evaluated 2018-01-12.

Conditions:
Nephronophthisis-like nephropathy 1 (NPHPL1). Identifiers: Orphanet 655, MedGen C3150419, MONDO:0013163, OMIM 613159.

Allele frequency attached by ClinVar (database versions not stated): 1000 Genomes Project 0.01418; 1000 Genomes Project 30x 0.01452; gnomAD exomes 0.01653; TOPMed 0.03199; gnomAD 0.03278 and 0.03353.
gnomAD v4.1: 4,961 of 152,156 alleles (3.3%); highest among the groups gnomAD compares: Non-Finnish European, 5.4%; 118 homozygotes.

Submissions (2):

Illumina Laboratory Services, Illumina
Classification: Benign for Nephronophthisis-like nephropathy 1. Last evaluated: 2018-01-12. Review status: criteria provided, single submitter. Criteria: ICSL Variant Classification Criteria 13 December 2019. Collection method: clinical testing. Allele origin: germline.
Comment: This variant was observed in the ICSL laboratory as part of a predisposition screen in an ostensibly healthy population. It had not been previously curated by ICSL or reported in the Human Gene Mutation Database (HGMD: prior to June 1st, 2018), and was therefore a candidate for classification through an automated scoring system. Utilizing variant allele frequency, disease prevalence and penetrance estimates, and inheritance mode, an automated score was calculated to assess if this variant is too frequent to cause the disease. Based on the score and internal cut-off values, a variant classified as benign is not then subjected to further curation. The score for this variant resulted in a classification of benign for this disease.

Breakthrough Genomics
Classification: Benign. Review status: criteria provided, single submitter. Criteria: ACMG Guidelines, 2015. Collection method: not provided. Allele origin: germline. Inheritance: Autosomal recessive inheritance. Affected: yes.